The following is an entry in ClinVar:

NM_017512.7(ENOSF1):c.1049-8C>T

Gene: ENOSF1 (enolase superfamily member 1; minus strand). Cytogenetic location: 18p11.32.
Variant type: single nucleotide variant.
Coding change: c.1049-8C>T on transcript NM_017512.7 (MANE Select); 8 bases into the intron before coding-DNA position 1049, C replaced by T.
Molecular consequence: intron variant.
Genome position (GRCh38, 1-based): chr18:677,452, G>A on the plus strand (C>T on the coding strand, the complement: ENOSF1 is on the minus strand). VCF-style: chr18-677452-G-A. GRCh37 (hg19) VCF-style: chr18-677452-G-A.
Other names: c.803-8C>T (NM_001354065.2); c.506-8C>T (NM_001318760.2); c.1007-8C>T (NM_001354066.2); c.962-8C>T (NM_001354068.2); c.1151-8C>T (NM_202758.5); c.1193-8C>T (NM_001354067.2).
Identifiers: ClinVar variation 2648514 (VCV002648514.24), dbSNP rs190795784, ClinGen allele CA8868120.

ClinVar aggregate classification (germline): Likely benign (1 of 4 stars; one submission).

Allele frequency attached by ClinVar (database versions not stated): 1000 Genomes Project 0.00319; 1000 Genomes Project 30x 0.00390; gnomAD 0.00410; ESP Exome Variant Server 0.00446; ExAC 0.00453; TOPMed 0.00459; gnomAD exomes 0.00625.
gnomAD v4.1: 9,746 of 1,610,548 alleles (0.61%); highest among the groups gnomAD compares: Non-Finnish European, 0.72%; 39 homozygotes.

Submission:

CeGaT Center for Human Genetics Tuebingen
Classification: Likely benign. Last evaluated: 2023-04-01. Review status: criteria provided, single submitter. Criteria: CeGaT Center For Human Genetics Tuebingen Variant Classification Criteria Version 2. Collection method: clinical testing. Allele origin: germline. Affected: yes. Observed: 2 variant alleles.
Comment: ENOSF1: BP4, BS2